The following is an entry in ClinVar:

ClinVar aggregate classification (germline): Uncertain significance. Review status: criteria provided, multiple submitters, no conflicts (2 of 4 stars). 2 submissions from 2 submitters: Uncertain significance (2). Last evaluated 2025-08-18.

Conditions:
Malignant hyperthermia, susceptibility to, 1 (MHS1). Also called: RYR1-Related Malignant Hyperthermia Susceptibility; Anesthesia related hyperthermia; Malignant hyperpyrexia; Fulminating hyperpyrexia; Pharmacogenic myopathy; Malignant hyperthermia suceptibility 1. Identifiers: Orphanet 423, MedGen C2930980, MONDO:0007783, OMIM 145600.
RYR1-related disorder. Also called: RYR1-related disorders; RYR1-related condition. Identifiers: MedGen CN239331.

Submissions (2):

Labcorp Genetics (formerly Invitae), Labcorp
Classification: Uncertain significance for RYR1-related disorder. Last evaluated: 2025-08-18. Review status: criteria provided, single submitter. Criteria: Invitae Variant Classification Sherloc (09022015). Collection method: clinical testing. Allele origin: germline.
Comment: This sequence change replaces glutamine, which is neutral and polar, with glutamic acid, which is acidic and polar, at codon 1861 of the RYR1 protein (p.Gln1861Glu). This variant is not present in population databases (gnomAD no frequency). This variant has not been reported in the literature in individuals affected with RYR1-related conditions. ClinVar contains an entry for this variant (Variation ID: 1380942). Invitae Evidence Modeling of protein sequence and biophysical properties (such as structural, functional, and spatial information, amino acid conservation, physicochemical variation, residue mobility, and thermodynamic stability) indicates that this missense variant is not expected to disrupt RYR1 protein function with a negative predictive value of 80%. In summary, the available evidence is currently insufficient to determine the role of this variant in disease. Therefore, it has been classified as a Variant of Uncertain Significance.

Color Diagnostics, LLC DBA Color Health
Classification: Uncertain significance for Malignant hyperthermia, susceptibility to, 1. Last evaluated: 2025-06-17. Review status: criteria provided, single submitter. Criteria: ACMG Guidelines, 2015. Collection method: clinical testing. Allele origin: germline.
Comment: This missense variant replaces glutamine with glutamic acid at codon 1861 of the RYR1 protein. Computational prediction suggests that this variant may not impact protein structure and function. To our knowledge, functional studies have not been reported for this variant. This variant has not been reported in individuals affected with RYR1-related disorders in the literature. This variant has not been identified in the general population by the Genome Aggregation Database (gnomAD). The available evidence is insufficient to determine the role of this variant in disease conclusively. Therefore, this variant is classified as a Variant of Uncertain Significance.

NM_000540.3(RYR1):c.5581C>G (p.Gln1861Glu)

Gene: RYR1 (ryanodine receptor 1; plus strand). Cytogenetic location: 19q13.2.
Variant type: single nucleotide variant.
Coding change: c.5581C>G on transcript NM_000540.3 (MANE Select); coding-DNA position 5581, C replaced by G.
Protein change: p.Gln1861Glu; replaces glutamine 1861 with glutamic acid.
Molecular consequence: missense variant.
Genome position (GRCh38, 1-based): chr19:38,489,210, C>G. VCF-style: chr19-38489210-C-G. GRCh37 (hg19) VCF-style: chr19-38979850-C-G.
Other names: c.5581C>G, p.Gln1861Glu (NM_001042723.2); short protein forms Q1861E.
Identifiers: ClinVar variation 1380942 (VCV001380942.8), dbSNP rs2145558294, ClinGen allele CA405657654.